The following is an entry in ClinVar:

NM_005560.6(LAMA5):c.6099C>T (p.Cys2033=)

Gene: LAMA5 (laminin subunit alpha 5; minus strand). Cytogenetic location: 20q13.33.
Variant type: single nucleotide variant.
Coding change: c.6099C>T on transcript NM_005560.6 (MANE Select); coding-DNA position 6099, C replaced by T.
Protein change: p.Cys2033=; no amino-acid change (cysteine 2033 retained).
Molecular consequence: synonymous variant.
Genome position (GRCh38, 1-based): chr20:62,322,724, G>A on the plus strand (C>T on the coding strand, the complement: LAMA5 is on the minus strand). VCF-style: chr20-62322724-G-A. GRCh37 (hg19) VCF-style: chr20-60897780-G-A.
Other names: c.6099C>T (NM_005560.4).
Identifiers: ClinVar variation 2064178 (VCV002064178.6), dbSNP rs370913287, ClinGen allele CA9941889.

ClinVar aggregate classification (germline): Likely benign. Review status: criteria provided, single submitter (1 of 4 stars). 2 submissions from 2 submitters: Likely benign (1). 1 of the submissions does not count toward it. Last evaluated 2022-07-08.

Conditions:
LAMA5-related disorder. Also called: LAMA5-Related Disorders; LAMA5-related condition.

Allele frequency attached by ClinVar (database versions not stated): ESP Exome Variant Server 0.00008; 1000 Genomes Project 0.00100; gnomAD 0.00007; ExAC 0.00010; gnomAD exomes 0.00006; TOPMed 0.00006; 1000 Genomes Project 30x 0.00047.
gnomAD v4.1: 96 of 1,532,192 alleles (0.0063%); highest among the groups gnomAD compares: Middle Eastern, 0.023%; no homozygotes.

Submissions (2):

Labcorp Genetics (formerly Invitae), Labcorp
Classification: Likely benign. Last evaluated: 2022-07-08. Review status: criteria provided, single submitter. Criteria: Invitae Variant Classification Sherloc (09022015). Collection method: clinical testing. Allele origin: germline.

PreventionGenetics, part of Exact Sciences
Classification: Likely benign for LAMA5-related condition. Last evaluated: 2019-04-09. Review status: no assertion criteria provided. Collection method: clinical testing. Allele origin: germline. Not counted in ClinVar's aggregate classification.
Comment: This variant is classified as likely benign based on ACMG/AMP sequence variant interpretation guidelines (Richards et al. 2015 PMID: 25741868, with internal and published modifications).